The following is an entry in ClinVar:

ClinVar aggregate classification (germline): Uncertain significance (1 of 4 stars; one submission).

Allele frequency attached by ClinVar (database versions not stated): gnomAD exomes 0.00004 and 0.00012; gnomAD 0.00005 and 0.00006; TOPMed 0.00005; 1000 Genomes Project 30x 0.00016; ExAC 0.00016; 1000 Genomes Project 0.00020.
gnomAD v4.1: 76 of 1,613,566 alleles (0.0047%); highest among the groups gnomAD compares: East Asian, 0.16%; no homozygotes.

Submissions (2):

Labcorp Genetics (formerly Invitae), Labcorp
Classification: Uncertain significance. Last evaluated: 2025-04-07. Review status: criteria provided, single submitter. Criteria: Invitae Variant Classification Sherloc (09022015). Collection method: clinical testing. Allele origin: germline.
Comment: This sequence change falls in intron 11 of the IL12RB2 gene. It does not directly change the encoded amino acid sequence of the IL12RB2 protein. It affects a nucleotide within the consensus splice site. This variant is present in population databases (rs554412658, gnomAD 0.2%), and has an allele count higher than expected for a pathogenic variant. This variant has not been reported in the literature in individuals affected with IL12RB2-related conditions. ClinVar contains an entry for this variant (Variation ID: 1508679). Variants that disrupt the consensus splice site are a relatively common cause of aberrant splicing (PMID: 17576681, 9536098). Algorithms developed to predict the effect of sequence changes on RNA splicing suggest that this variant may disrupt the consensus splice site. In summary, the available evidence is currently insufficient to determine the role of this variant in disease. Therefore, it has been classified as a Variant of Uncertain Significance.

Dr. Peter K. Rogan Lab, Western University
No classification provided (evidence only). Condition: Familial cancer of breast. Review status: no classification provided. Collection method: in vitro. Allele origin: not applicable. Functional consequence: skipped exon. Not counted in ClinVar's aggregate classification.

Literature cited by the submitters: PubMed 17576681 (cited by Labcorp Genetics (formerly Invitae), Labcorp); PubMed 9536098 (cited by Labcorp Genetics (formerly Invitae), Labcorp).

NM_001374259.2(IL12RB2):c.1559-3C>T

Gene: IL12RB2 (interleukin 12 receptor subunit beta 2; plus strand). Cytogenetic location: 1p31.3.
Variant type: single nucleotide variant.
Coding change: c.1559-3C>T on transcript NM_001374259.2 (MANE Select); 3 bases into the intron before coding-DNA position 1559, C replaced by T.
Molecular consequence: intron variant.
Genome position (GRCh38, 1-based): chr1:67,372,622, C>T. VCF-style: chr1-67372622-C-T. GRCh37 (hg19) VCF-style: chr1-67838305-C-T.
Other names: c.1559-3C>T (NM_001258214.1, NM_001319233.1, NM_001258216.1 and 1 more transcripts); c.1459+4597C>T (NM_001258215.1).
Identifiers: ClinVar variation 1508679 (VCV001508679.7), dbSNP rs554412658, ClinGen allele CA900534.